The following is an entry in ClinVar:

NM_153766.3(KCNJ1):c.1116G>A (p.Met372Ile)

Gene: KCNJ1 (potassium inwardly rectifying channel subfamily J member 1; minus strand). Cytogenetic location: 11q24.3.
Variant type: single nucleotide variant.
Coding change: c.1116G>A on transcript NM_153766.3 (MANE Select); coding-DNA position 1116, G replaced by A.
Protein change: p.Met372Ile; replaces methionine 372 with isoleucine.
Molecular consequence: missense variant.
Genome position (GRCh38, 1-based): chr11:128,839,128, C>T on the plus strand (G>A on the coding strand, the complement: KCNJ1 is on the minus strand). VCF-style: chr11-128839128-C-T. GRCh37 (hg19) VCF-style: chr11-128709023-C-T.
Other names: c.1173G>A, p.Met391Ile (NM_000220.6); c.1116G>A, p.Met372Ile (NM_153764.3, NM_153767.4); c.1167G>A, p.Met389Ile (NM_153765.3); short protein forms M389I, M372I, M391I.
Identifiers: ClinVar variation 935618 (VCV000935618.10), dbSNP rs141900128, ClinGen allele CA6357377.

ClinVar aggregate classification (germline): Uncertain significance. Review status: criteria provided, multiple submitters, no conflicts (2 of 4 stars). 3 submissions from 3 submitters: Uncertain significance (3). Last evaluated 2024-05-17.

Conditions:
Bartter disease type 2. Also called: HYPOKALEMIC ALKALOSIS WITH HYPERCALCIURIA 2, ANTENATAL; Bartter syndrome, type 2, antenatal; HYPERPROSTAGLANDIN E SYNDROME 2. Identifiers: Orphanet 112, Orphanet 620220, MedGen C1855849, MONDO:0009424, OMIM 241200.

Allele frequency attached by ClinVar (database versions not stated): gnomAD exomes 0.00003; ExAC 0.00006; ESP Exome Variant Server 0.00015; gnomAD 0.00015; 1000 Genomes Project 30x 0.00016; 1000 Genomes Project 0.00020; TOPMed 0.00020.
gnomAD v4.1: 41 of 1,613,398 alleles (0.0025%); highest among the groups gnomAD compares: African/African-American, 0.049%; no homozygotes.

Submissions (3):

Fulgent Genetics
Classification: Uncertain significance for Bartter disease type 2. Last evaluated: 2024-05-17. Review status: criteria provided, single submitter. Criteria: ACMG Guidelines, 2015. Collection method: clinical testing. Allele origin: germline.

Labcorp Genetics (formerly Invitae), Labcorp
Classification: Uncertain significance. Last evaluated: 2021-08-28. Review status: criteria provided, single submitter. Criteria: Invitae Variant Classification Sherloc (09022015). Collection method: clinical testing. Allele origin: germline.
Comment: This sequence change replaces methionine with isoleucine at codon 391 of the KCNJ1 protein (p.Met391Ile). The methionine residue is moderately conserved and there is a small physicochemical difference between methionine and isoleucine. This variant is present in population databases (rs141900128, ExAC 0.07%). This variant has not been reported in the literature in individuals affected with KCNJ1-related conditions. Algorithms developed to predict the effect of missense changes on protein structure and function are either unavailable or do not agree on the potential impact of this missense change (SIFT: "Tolerated"; PolyPhen-2: "Probably Damaging"; Align-GVGD: "Class C0"). In summary, the available evidence is currently insufficient to determine the role of this variant in disease. Therefore, it has been classified as a Variant of Uncertain Significance.

Breakthrough Genomics
Classification: Uncertain significance. Review status: criteria provided, single submitter. Criteria: ACMG Guidelines, 2015. Collection method: not provided. Allele origin: germline. Inheritance: Autosomal recessive inheritance. Affected: yes.